The following is an entry in ClinVar:

NM_213720.3(CHCHD10):c.10G>C (p.Gly4Arg)

Gene: CHCHD10 (coiled-coil-helix-coiled-coil-helix domain containing 10; minus strand). Cytogenetic location: 22q11.23.
Variant type: single nucleotide variant.
Coding change: c.10G>C on transcript NM_213720.3 (MANE Select); coding-DNA position 10, G replaced by C.
Protein change: p.Gly4Arg; replaces glycine 4 with arginine.
Molecular consequence: missense variant. On other transcripts: non-coding transcript variant (2).
Genome position (GRCh38, 1-based): chr22:23,767,865, C>G on the plus strand (G>C on the coding strand, the complement: CHCHD10 is on the minus strand). VCF-style: chr22-23767865-C-G. GRCh37 (hg19) VCF-style: chr22-24110052-C-G.
Other names: c.10G>C, p.Gly4Arg (NM_001301339.2); c.10G>C (NM_213720.2); short protein forms G4R.
Identifiers: ClinVar variation 1388815 (VCV001388815.9), dbSNP rs945463572, ClinGen allele CA322574479.
Genomic context (GRCh38, chr22:23,767,865, plus strand): 5'-TCCCCACAGGGCCCTTGTCCCCCTCACACCTGGCTGGCCGGGAGGCCGCGCTGCGGCTTC[C>G]CCGAGGCATGGTGGCGGCGGTGGGACCCGGGCGACCTTAGAGACGGCGGCAGCGGTGCTG-3'
Protein context (NP_998885.1, residues 1-14): MPR[Gly4Arg]SRSAASRPAS

ClinVar aggregate classification (germline): Uncertain significance. Review status: criteria provided, multiple submitters, no conflicts (2 of 4 stars). 3 submissions from 3 submitters: Uncertain significance (3). Last evaluated 2022-09-06.

Conditions:
Lower motor neuron syndrome with late-adult onset (SMAJ). Also called: Spinal muscular atrophy, Jokela type; Late-Onset Spinal Motor Neuronopathy (SMAJ). Identifiers: Orphanet 276435, MedGen C3554398, MONDO:0014025, OMIM 615048.
Frontotemporal dementia and/or amyotrophic lateral sclerosis 2. Also called: FTDALS2. Identifiers: Orphanet 275872, MedGen C4014648, MONDO:0014395, OMIM 615911.
Autosomal dominant mitochondrial myopathy with exercise intolerance (IMMD). Also called: Myopathy, isolated mitochondrial, autosomal dominant. Identifiers: Orphanet 457050, MedGen C4015513, MONDO:0014532, OMIM 616209.

Allele frequency attached by ClinVar (database versions not stated): gnomAD exomes 0.00001; TOPMed 0.00001; gnomAD 0.00001.
gnomAD v4.1: 18 of 1,514,762 alleles (0.0012%); highest among the groups gnomAD compares: Non-Finnish European, 0.0016%; no homozygotes.

Submissions (3):

GeneDx
Classification: Uncertain significance. Last evaluated: 2022-09-06. Review status: criteria provided, single submitter. Criteria: GeneDx Variant Classification Process June 2021. Collection method: clinical testing. Allele origin: germline. Affected: yes.
Comment: Not observed at significant frequency in large population cohorts (gnomAD); In silico analysis supports that this missense variant has a deleterious effect on protein structure/function; Has not been previously published as pathogenic or benign to our knowledge

Labcorp Genetics (formerly Invitae), Labcorp
Classification: Uncertain significance for Lower motor neuron syndrome with late-adult onset; Frontotemporal dementia and/or amyotrophic lateral sclerosis 2; Autosomal dominant mitochondrial myopathy with exercise intolerance. Last evaluated: 2021-10-03. Review status: criteria provided, single submitter. Criteria: Invitae Variant Classification Sherloc (09022015). Collection method: clinical testing. Allele origin: germline.
Comment: In summary, the available evidence is currently insufficient to determine the role of this variant in disease. Therefore, it has been classified as a Variant of Uncertain Significance. Algorithms developed to predict the effect of missense changes on protein structure and function are either unavailable or do not agree on the potential impact of this missense change (SIFT: "Tolerated"; PolyPhen-2: "Not Available"; Align-GVGD: "Class C0"). This variant has not been reported in the literature in individuals affected with CHCHD10-related conditions. This variant is not present in population databases (ExAC no frequency). This sequence change replaces glycine with arginine at codon 4 of the CHCHD10 protein (p.Gly4Arg). The glycine residue is moderately conserved and there is a moderate physicochemical difference between glycine and arginine.

Revvity Omics, Revvity
Classification: Uncertain significance. Last evaluated: 2021-05-20. Review status: criteria provided, single submitter. Criteria: ACMG Guidelines, 2015. Collection method: clinical testing. Allele origin: germline.